The following is an entry in ClinVar:

ClinVar aggregate classification (germline): Likely pathogenic (1 of 4 stars; one submission).

Conditions:
POFUT1-related disorder. Also called: POFUT1-related condition.

Submission:

PreventionGenetics, part of Exact Sciences
Classification: Likely pathogenic for POFUT1-related condition. Last evaluated: 2025-03-10. Review status: criteria provided, single submitter. Criteria: ACMG Guidelines, 2015. Collection method: clinical testing. Allele origin: germline.
Comment: The POFUT1 c.433G>T variant is predicted to result in premature protein termination (p.Gly145*). To our knowledge, this variant has not been reported in the literature or in a large population database (gnomAD), indicating this variant is rare. Nonsense variants in POFUT1 are expected to be pathogenic. This variant is interpreted as likely pathogenic.

NM_015352.2(POFUT1):c.433G>T (p.Gly145Ter)

Gene: POFUT1 (protein O-fucosyltransferase 1; plus strand). Cytogenetic location: 20q11.21.
Variant type: single nucleotide variant.
Coding change: c.433G>T on transcript NM_015352.2 (MANE Select); coding-DNA position 433, G replaced by T.
Protein change: p.Gly145Ter; replaces glycine 145 with a stop codon.
Molecular consequence: nonsense.
Genome position (GRCh38, 1-based): chr20:32,216,612, G>T. VCF-style: chr20-32216612-G-T. GRCh37 (hg19) VCF-style: chr20-30804415-G-T.
Other names: c.433G>T, p.Gly145Ter (NM_172236.2); short protein forms G145*.
Identifiers: ClinVar variation 5002433 (VCV005002433.1).